The following is an entry in ClinVar:

ClinVar aggregate classification (germline): Uncertain significance (1 of 4 stars; one submission).

Conditions:
Hereditary breast ovarian cancer syndrome. Also called: BRCA1- and BRCA2-Associated Hereditary Breast and Ovarian Cancer; Breast and ovarian cancer; Hereditary breast and/or ovarian cancer syndrome; Hereditary breast and ovarian cancer; Hereditary breast and ovarian cancer syndrome (HBOC); Hereditary breast and ovarian cancer syndrome. Identifiers: Orphanet 145, MedGen C0677776, MeSH D061325, MONDO:0003582. Disease mechanism: loss of function.

Allele frequency attached by ClinVar (database versions not stated): gnomAD exomes below 0.00001; ExAC 0.00001.
gnomAD v4.1: 1 of 1,613,506 alleles (0.000062%); highest among the groups gnomAD compares: Non-Finnish European, 0.000085%; no homozygotes.

Submission:

Labcorp Genetics (formerly Invitae), Labcorp
Classification: Uncertain significance for Hereditary breast ovarian cancer syndrome. Last evaluated: 2023-07-30. Review status: criteria provided, single submitter. Criteria: Invitae Variant Classification Sherloc (09022015). Collection method: clinical testing. Allele origin: germline.
Comment: In summary, the available evidence is currently insufficient to determine the role of this variant in disease. Therefore, it has been classified as a Variant of Uncertain Significance. Advanced modeling of protein sequence and biophysical properties (such as structural, functional, and spatial information, amino acid conservation, physicochemical variation, residue mobility, and thermodynamic stability) performed at Invitae indicates that this missense variant is not expected to disrupt BRCA2 protein function. This variant has not been reported in the literature in individuals affected with BRCA2-related conditions. This variant is present in population databases (rs756971498, gnomAD 0.0009%). This sequence change replaces proline, which is neutral and non-polar, with leucine, which is neutral and non-polar, at codon 40 of the BRCA2 protein (p.Pro40Leu).

NM_000059.4(BRCA2):c.119C>T (p.Pro40Leu)

Gene: BRCA2 (BRCA2 DNA repair associated; plus strand). Cytogenetic location: 13q13.1.
Variant type: single nucleotide variant.
Coding change: c.119C>T on transcript NM_000059.4 (MANE Select); coding-DNA position 119, C replaced by T.
Protein change: p.Pro40Leu; replaces proline 40 with leucine.
Molecular consequence: missense variant. On other transcripts: 5 prime UTR variant (1), non-coding transcript variant (1).
Genome position (GRCh38, 1-based): chr13:32,319,128, C>T. VCF-style: chr13-32319128-C-T. GRCh37 (hg19) VCF-style: chr13-32893265-C-T.
Other names: c.119C>T, p.Pro40Leu (NM_001406719.1, NM_001406720.1, NM_001406721.1); c.-251C>T (NM_001406722.1); short protein forms P40L.
Identifiers: ClinVar variation 2748374 (VCV002748374.3), dbSNP rs756971498, ClinGen allele CA6940324.